The following is an entry in ClinVar:

NM_005591.4(MRE11):c.181C>G (p.Leu61Val)

Gene: MRE11 (MRE11 double strand break repair nuclease; minus strand). Cytogenetic location: 11q21.
Variant type: single nucleotide variant.
Coding change: c.181C>G on transcript NM_005591.4 (MANE Select); coding-DNA position 181, C replaced by G.
Protein change: p.Leu61Val; replaces leucine 61 with valine.
Molecular consequence: missense variant.
Genome position (GRCh38, 1-based): chr11:94,486,057, G>C on the plus strand (C>G on the coding strand, the complement: MRE11 is on the minus strand). VCF-style: chr11-94486057-G-C. GRCh37 (hg19) VCF-style: chr11-94219223-G-C.
Other names: c.181C>G, p.Leu61Val (NM_001330347.2, NM_005590.4); short protein forms L61V.
Identifiers: ClinVar variation 186847 (VCV000186847.14), dbSNP rs786203268, ClinGen allele CA196037.
Genomic context (GRCh38, chr11:94,486,057, plus strand): 5'-TTCTTAATAACTCGAGGCAGGTATGTAATGTTTTCCTTGAGGGCTTATTTTCATGAAAAA[G>C]ATCACCACCTAACAAAATAAAATCCACCTGATCAACAGAAAAAGGTGTTAAAATTAGTAT-3'
Protein context (NP_005582.1, residues 51-71): EVDFILLGGD[Leu61Val]FHENKPSRKT

ClinVar aggregate classification (germline): Uncertain significance. Review status: criteria provided, multiple submitters, no conflicts (2 of 4 stars). 2 submissions from 2 submitters: Uncertain significance (2). Last evaluated 2024-08-12.

Conditions:
Ataxia-telangiectasia-like disorder (ATLD). Identifiers: MedGen C1858391, MONDO:0011457.
Hereditary cancer-predisposing syndrome. Also called: Neoplastic Syndromes, Hereditary; Tumor predisposition; Hereditary Cancer Syndrome; Hereditary neoplastic syndrome. Identifiers: Orphanet 140162, MedGen C0027672, MeSH D009386, MONDO:0015356.

Allele frequency attached by ClinVar (database versions not stated): gnomAD exomes 0.00001.
gnomAD v4.1: 3 of 1,613,512 alleles (0.00019%); highest among the groups gnomAD compares: Non-Finnish European, 0.00025%; no homozygotes.

Submissions (2):

Labcorp Genetics (formerly Invitae), Labcorp
Classification: Uncertain significance for Ataxia-telangiectasia-like disorder. Last evaluated: 2024-08-12. Review status: criteria provided, single submitter. Criteria: Invitae Variant Classification Sherloc (09022015). Collection method: clinical testing. Allele origin: germline.
Comment: This sequence change replaces leucine, which is neutral and non-polar, with valine, which is neutral and non-polar, at codon 61 of the MRE11 protein (p.Leu61Val). This variant is not present in population databases (gnomAD no frequency). This variant has not been reported in the literature in individuals affected with MRE11-related conditions. ClinVar contains an entry for this variant (Variation ID: 186847). An algorithm developed to predict the effect of missense changes on protein structure and function (PolyPhen-2) suggests that this variant is likely to be disruptive. In summary, the available evidence is currently insufficient to determine the role of this variant in disease. Therefore, it has been classified as a Variant of Uncertain Significance.

Ambry Genetics
Classification: Uncertain significance for Hereditary cancer-predisposing syndrome. Last evaluated: 2021-07-30. Review status: criteria provided, single submitter. Criteria: Ambry Variant Classification Scheme 2023. Collection method: clinical testing. Allele origin: germline.
Comment: The p.L61V variant (also known as c.181C>G), located in coding exon 3 of the MRE11A gene, results from a C to G substitution at nucleotide position 181. The leucine at codon 61 is replaced by valine, an amino acid with highly similar properties. This amino acid position is highly conserved in available vertebrate species. In addition, this alteration is predicted to be deleterious by in silico analysis. Since supporting evidence is limited at this time, the clinical significance of this alteration remains unclear.